The following is an entry in ClinVar:

NM_152564.5(VPS13B):c.9942+1G>T

Gene: VPS13B (vacuolar protein sorting 13 homolog B; plus strand). Cytogenetic location: 8q22.2.
Variant type: single nucleotide variant.
Coding change: c.9942+1G>T on transcript NM_152564.5 (MANE Select); the canonical splice donor site of the intron after coding-DNA position 9942, G replaced by T.
Molecular consequence: splice donor variant.
Genome position (GRCh38, 1-based): chr8:99,835,739, G>T. VCF-style: chr8-99835739-G-T. GRCh37 (hg19) VCF-style: chr8-100847967-G-T.
Other names: c.10017+1G>T (NM_017890.5).
Identifiers: ClinVar variation 552310 (VCV000552310.5), dbSNP rs1057517063, ClinGen allele CA371785115.

ClinVar aggregate classification (germline): Likely pathogenic. Review status: criteria provided, single submitter (1 of 4 stars). 2 submissions from 2 submitters: Likely pathogenic (1). 1 of the submissions does not count toward it. Last evaluated 2024-10-29.

Conditions:
Cohen syndrome (COH1). Also called: Cutis verticis gyrata, retinitis pigmentosa, and sensorineural deafness; PEPPER SYNDROME. Identifiers: Orphanet 193, MedGen C0265223, MONDO:0008999, OMIM 216550.

Submissions (2):

Labcorp Genetics (formerly Invitae), Labcorp
Classification: Likely pathogenic for Cohen syndrome. Last evaluated: 2024-10-29. Review status: criteria provided, single submitter. Criteria: Invitae Variant Classification Sherloc (09022015). Collection method: clinical testing. Allele origin: germline.
Comment: This sequence change affects a donor splice site in intron 54 of the VPS13B gene. It is expected to disrupt RNA splicing. Variants that disrupt the donor or acceptor splice site typically lead to a loss of protein function (PMID: 16199547), and loss-of-function variants in VPS13B are known to be pathogenic (PMID: 15141358, 16648375, 20461111). This variant is not present in population databases (gnomAD no frequency). This variant has not been reported in the literature in individuals affected with VPS13B-related conditions. ClinVar contains an entry for this variant (Variation ID: 552310). Algorithms developed to predict the effect of sequence changes on RNA splicing suggest that this variant may disrupt the consensus splice site. In summary, the currently available evidence indicates that the variant is pathogenic, but additional data are needed to prove that conclusively. Therefore, this variant has been classified as Likely Pathogenic.

Counsyl
Classification: Likely pathogenic for Cohen syndrome. Last evaluated: 2017-06-05. Review status: no assertion criteria provided. Collection method: clinical testing. Allele origin: unknown. Not counted in ClinVar's aggregate classification.

Literature cited by the submitters: PubMed 16199547 (cited by Labcorp Genetics (formerly Invitae), Labcorp); PubMed 15141358 (cited by Labcorp Genetics (formerly Invitae), Labcorp); PubMed 16648375 (cited by Labcorp Genetics (formerly Invitae), Labcorp); PubMed 20461111 (cited by Labcorp Genetics (formerly Invitae), Labcorp).